The following is an entry in ClinVar:

NM_058195.4(CDKN2A):c.40G>A (p.Ala14Thr)

Gene: CDKN2A (cyclin dependent kinase inhibitor 2A; minus strand). Cytogenetic location: 9p21.3.
Variant type: single nucleotide variant.
Coding change: c.40G>A on transcript NM_058195.4 (MANE Plus Clinical); coding-DNA position 40, G replaced by A.
Protein change: p.Ala14Thr; replaces alanine 14 with threonine.
Molecular consequence: missense variant. On other transcripts: intron variant (1).
Genome position (GRCh38, 1-based): chr9:21,994,292, C>T on the plus strand (G>A on the coding strand, the complement: CDKN2A is on the minus strand). VCF-style: chr9-21994292-C-T. GRCh37 (hg19) VCF-style: chr9-21994291-C-T.
Other names: c.-4+529G>A (NM_001363763.2); short protein forms A14T.
Identifiers: ClinVar variation 567122 (VCV000567122.7), dbSNP rs1241364288, ClinGen allele CA373087061.

ClinVar aggregate classification (germline): Conflicting classifications of pathogenicity. Review status: criteria provided, conflicting classifications (1 of 4 stars). 3 submissions from 3 submitters: Uncertain significance (2); Likely benign (1). Last evaluated 2024-12-04.

Conditions:
Hereditary cancer-predisposing syndrome. Also called: Hereditary Cancer Syndrome; Neoplastic Syndromes, Hereditary; Tumor predisposition; Hereditary neoplastic syndrome. Identifiers: Orphanet 140162, MedGen C0027672, MeSH D009386, MONDO:0015356.
Familial melanoma. Also called: Hereditary melanoma; Hereditary cutaneous melanoma. Identifiers: Orphanet 618, MedGen C1512419, MONDO:0018961.
Melanoma-pancreatic cancer syndrome. Identifiers: Orphanet 404560, MedGen C1838547, MONDO:0011713, OMIM 606719. Disease mechanism: loss of function.
Melanoma, cutaneous malignant, susceptibility to, 2 (CMM2). Also called: CDKN2A-Related Cutaneous Malignant Melanoma; Cutaneous malignant melanoma 2. Identifiers: Orphanet 618, MedGen C1835044, MONDO:0007964, OMIM 155601.
Melanoma and neural system tumor syndrome. Also called: MELANOMA-ASTROCYTOMA SYNDROME. Identifiers: Orphanet 252206, MedGen C1835042, MONDO:0007967, OMIM 155755.

Allele frequency attached by ClinVar (database versions not stated): gnomAD exomes below 0.00001; TOPMed 0.00002.
gnomAD v4.1: 1 of 1,604,176 alleles (0.000062%); highest among the groups gnomAD compares: African/African-American, 0.0013%; no homozygotes.

Submissions (3):

Ambry Genetics
Classification: Likely benign for Hereditary cancer-predisposing syndrome. Last evaluated: 2024-12-04. Review status: criteria provided, single submitter. Criteria: Ambry Variant Classification Scheme 2023. Collection method: clinical testing. Allele origin: germline.

Fulgent Genetics
Classification: Uncertain significance for Melanoma, cutaneous malignant, susceptibility to, 2; Melanoma and neural system tumor syndrome; Melanoma-pancreatic cancer syndrome. Last evaluated: 2024-04-30. Review status: criteria provided, single submitter. Criteria: ACMG Guidelines, 2015. Collection method: clinical testing. Allele origin: germline.

Labcorp Genetics (formerly Invitae), Labcorp
Classification: Uncertain significance for Familial melanoma. Last evaluated: 2021-08-12. Review status: criteria provided, single submitter. Criteria: Invitae Variant Classification Sherloc (09022015). Collection method: clinical testing. Allele origin: germline.
Comment: This sequence change replaces alanine with threonine at codon 14 of the CDKN2A (p14ARF) protein (p.Ala14Thr). The alanine residue is moderately conserved and there is a small physicochemical difference between alanine and threonine. This variant is not present in population databases (ExAC no frequency). This variant has not been reported in the literature in individuals affected with CDKN2A (p14ARF)-related conditions. Algorithms developed to predict the effect of missense changes on protein structure and function output the following: SIFT: "Tolerated"; PolyPhen-2: "Benign"; Align-GVGD: "Class C0". The threonine amino acid residue is found in multiple mammalian species, which suggests that this missense change does not adversely affect protein function. In summary, the available evidence is currently insufficient to determine the role of this variant in disease. Therefore, it has been classified as a Variant of Uncertain Significance.